The following is an entry in ClinVar:

NM_001015877.2(PHF6):c.511A>G (p.Asn171Asp)

Gene: PHF6 (PHD finger protein 6; plus strand). Cytogenetic location: Xq26.2.
Variant type: single nucleotide variant.
Coding change: c.511A>G on transcript NM_001015877.2 (MANE Select); coding-DNA position 511, A replaced by G.
Protein change: p.Asn171Asp; replaces asparagine 171 with aspartic acid.
Molecular consequence: missense variant.
Genome position (GRCh38, 1-based): chrX:134,413,583, A>G. VCF-style: chrX-134413583-A-G. GRCh37 (hg19) VCF-style: chrX-133547613-A-G.
Other names: c.514A>G, p.Asn172Asp (NM_032335.3); c.511A>G, p.Asn171Asp (NM_032458.3); short protein forms N171D, N172D.
Identifiers: ClinVar variation 3361325 (VCV003361325.1).

ClinVar aggregate classification (germline): Uncertain significance (1 of 4 stars; one submission).

Submission:

GeneDx
Classification: Uncertain significance. Last evaluated: 2023-07-24. Review status: criteria provided, single submitter. Criteria: GeneDx Variant Classification Process June 2021. Collection method: clinical testing. Allele origin: germline. Affected: yes.
Comment: Not observed at significant frequency in large population cohorts (gnomAD); In silico analysis supports that this missense variant does not alter protein structure/function; Has not been previously published as pathogenic or benign to our knowledge